The following is an entry in ClinVar:

NM_001220.5(CAMK2B):c.39G>C (p.Glu13Asp)

Gene: CAMK2B (calcium/calmodulin dependent protein kinase II beta; minus strand). Cytogenetic location: 7p13.
Variant type: single nucleotide variant.
Coding change: c.39G>C on transcript NM_001220.5 (MANE Select); coding-DNA position 39, G replaced by C.
Protein change: p.Glu13Asp; replaces glutamic acid 13 with aspartic acid.
Molecular consequence: missense variant.
Genome position (GRCh38, 1-based): chr7:44,325,383, C>G on the plus strand (G>C on the coding strand, the complement: CAMK2B is on the minus strand). VCF-style: chr7-44325383-C-G. GRCh37 (hg19) VCF-style: chr7-44364982-C-G.
Other names: c.39G>C, p.Glu13Asp (NM_001293170.2, NM_172078.3, NM_172079.3 and 5 more transcripts); short protein forms E13D.
Identifiers: ClinVar variation 2499041 (VCV002499041.28), dbSNP rs751520988, ClinGen allele CA4240880.

ClinVar aggregate classification (germline): Uncertain significance (1 of 4 stars; one submission).

Allele frequency attached by ClinVar (database versions not stated): ExAC 0.00001.

Submission:

CeGaT Center for Human Genetics Tuebingen
Classification: Uncertain significance. Last evaluated: 2023-08-01. Review status: criteria provided, single submitter. Criteria: CeGaT Center For Human Genetics Tuebingen Variant Classification Criteria Version 2. Collection method: clinical testing. Allele origin: germline. Affected: yes. Observed: 2 variant alleles.
Comment: CAMK2B: PM2, PP2